The following is an entry in ClinVar:

ClinVar aggregate classification (germline): Uncertain significance. Review status: criteria provided, multiple submitters, no conflicts (2 of 4 stars). 2 submissions from 2 submitters: Uncertain significance (2). Last evaluated 2024-04-03.

Conditions:
Ataxia-telangiectasia syndrome (AT). Also called: Cerebello-oculocutaneous telangiectasia; Immunodeficiency with ataxia telangiectasia; Ataxia-telangiectasia, complementation group D; AT, COMPLEMENTATION GROUP C; Ataxia-telangiectasia; Ataxia-telangiectasia, complementation group E. Identifiers: Orphanet 100, MedGen C0004135, MONDO:0008840, OMIM 208900.
Familial cancer of breast. Also called: Hereditary breast cancer; BREAST CANCER, FAMILIAL; hereditary breast carcinoma. Identifiers: Orphanet 227535, MedGen C0346153, MONDO:0016419, OMIM 114480. Disease mechanism: loss of function.

Submissions (2):

Labcorp Genetics (formerly Invitae), Labcorp
Classification: Uncertain significance for Ataxia-telangiectasia syndrome. Last evaluated: 2024-04-03. Review status: criteria provided, single submitter. Criteria: Invitae Variant Classification Sherloc (09022015). Collection method: clinical testing. Allele origin: germline.
Comment: This sequence change replaces aspartic acid, which is acidic and polar, with glycine, which is neutral and non-polar, at codon 814 of the ATM protein (p.Asp814Gly). This variant is not present in population databases (gnomAD no frequency). This variant has not been reported in the literature in individuals affected with ATM-related conditions. An algorithm developed to predict the effect of missense changes on protein structure and function (PolyPhen-2) suggests that this variant is likely to be disruptive. In summary, the available evidence is currently insufficient to determine the role of this variant in disease. Therefore, it has been classified as a Variant of Uncertain Significance.

Fulgent Genetics
Classification: Uncertain significance for Familial cancer of breast; Ataxia-telangiectasia syndrome. Last evaluated: 2024-03-07. Review status: criteria provided, single submitter. Criteria: ACMG Guidelines, 2015. Collection method: clinical testing. Allele origin: germline.

NM_000051.4(ATM):c.2441A>G (p.Asp814Gly)

Gene: ATM (ATM serine/threonine kinase; plus strand). Cytogenetic location: 11q22.3.
Variant type: single nucleotide variant.
Coding change: c.2441A>G on transcript NM_000051.4 (MANE Select); coding-DNA position 2441, A replaced by G.
Protein change: p.Asp814Gly; replaces aspartic acid 814 with glycine.
Molecular consequence: missense variant.
Genome position (GRCh38, 1-based): chr11:108,259,050, A>G. VCF-style: chr11-108259050-A-G. GRCh37 (hg19) VCF-style: chr11-108129777-A-G.
Other names: c.2441A>G, p.Asp814Gly (NM_001351834.2); short protein forms D814G.
Identifiers: ClinVar variation 3598932 (VCV003598932.3).